The following is an entry in ClinVar:

ClinVar aggregate classification (germline): Uncertain significance (1 of 4 stars; one submission).

Conditions:
Hereditary cancer-predisposing syndrome. Also called: Neoplastic Syndromes, Hereditary; Hereditary neoplastic syndrome; Tumor predisposition; Hereditary Cancer Syndrome. Identifiers: Orphanet 140162, MedGen C0027672, MeSH D009386, MONDO:0015356.

Submission:

Ambry Genetics
Classification: Uncertain significance for Hereditary cancer-predisposing syndrome. Last evaluated: 2026-02-11. Review status: criteria provided, single submitter. Criteria: Ambry Variant Classification Scheme 2023. Collection method: clinical testing. Allele origin: germline.
Comment: The p.S1180G variant (also known as c.3538A>G), located in coding exon 9 of the BRCA1 gene, results from an A to G substitution at nucleotide position 3538. The serine at codon 1180 is replaced by glycine, an amino acid with similar properties. This amino acid position is not well conserved in available vertebrate species. In addition, the in silico prediction for this alteration is inconclusive. Based on the available evidence, the clinical significance of this variant remains unclear.

NM_007294.4(BRCA1):c.3538A>G (p.Ser1180Gly)

Genes: BRCA1 (BRCA1 DNA repair associated; minus strand), LOC126862571 (BRD4-independent group 4 enhancer GRCh37_chr17:41243136-41244335; plus strand). Cytogenetic location: 17q21.31.
Variant type: single nucleotide variant.
Coding change: c.3538A>G on transcript NM_007294.4 (MANE Select); coding-DNA position 3538, A replaced by G.
Protein change: p.Ser1180Gly; replaces serine 1180 with glycine.
Molecular consequence: missense variant. On other transcripts: intron variant (135).
Genome position (GRCh38, 1-based): chr17:43,091,993, T>C on the plus strand (A>G on the coding strand, the complement: BRCA1 is on the minus strand). VCF-style: chr17-43091993-T-C. GRCh37 (hg19) VCF-style: chr17-41244010-T-C.
Other names: c.3325A>G, p.Ser1109Gly (NM_001407571.1, NM_001407853.1, NM_001407894.1 and 9 more transcripts); c.3538A>G, p.Ser1180Gly (NM_001407581.1, NM_001407582.1, NM_001407583.1 and 30 more transcripts); c.3535A>G, p.Ser1179Gly (NM_001407587.1, NM_001407590.1, NM_001407591.1 and 22 more transcripts); c.3529A>G, p.Ser1177Gly (NM_001407646.1, NM_001407647.1); c.3415A>G, p.Ser1139Gly (NM_001407648.1, NM_001407937.1, NM_001407938.1 and 19 more transcripts); c.3412A>G, p.Ser1138Gly (NM_001407649.1, NM_001407940.1, NM_001407941.1 and 11 more transcripts); c.3460A>G, p.Ser1154Gly (NM_001407653.1, NM_001407654.1, NM_001407655.1 and 4 more transcripts); c.3457A>G, p.Ser1153Gly (NM_001407659.1, NM_001407660.1, NM_001407661.1 and 1 more transcripts); and 41 more; short protein forms S1012G, S1052G, S1053G, S1109G, S1112G, S1069G, S1132G, S1138G.
Identifiers: ClinVar variation 4824194 (VCV004824194.1).
Genomic context (GRCh38, chr17:43,091,993, plus strand): 5'-GAGCCAAATGTGTATGGGTGAAAGGGCTAGGACTCCTGCTAAGCTCTCCTTTCTGGACGC[T>C]TTTGCTAAAAACAGCAGAACTTTCCTTAATGTCATTTTCAGCAAAACTAGTATCTTCCTT-3'
Protein context (NP_009225.1, residues 1170-1190): IKESSAVFSK[Ser1180Gly]VQKGELSRSP